The following is an entry in ClinVar:

ClinVar aggregate classification (germline): Likely benign (1 of 4 stars; one submission).

gnomAD v4.1: 26 of 1,572,408 alleles (0.0017%); highest among the groups gnomAD compares: Admixed American, 0.0037%; no homozygotes.

Submission:

CeGaT Center for Human Genetics Tuebingen
Classification: Likely benign. Last evaluated: 2026-02-01. Review status: criteria provided, single submitter. Criteria: CeGaT Center For Human Genetics Tuebingen Variant Classification Criteria Version 2. Collection method: clinical testing. Allele origin: germline. Affected: yes. Observed: 1 variant allele.
Comment: MYT1L: BP4, BP7

NM_001303052.2(MYT1L):c.174G>A (p.Ala58=)

Gene: MYT1L (myelin transcription factor 1 like; minus strand). Cytogenetic location: 2p25.3.
Variant type: single nucleotide variant.
Coding change: c.174G>A on transcript NM_001303052.2 (MANE Select); coding-DNA position 174, G replaced by A.
Protein change: p.Ala58=; no amino-acid change (alanine 58 retained).
Molecular consequence: synonymous variant.
Genome position (GRCh38, 1-based): chr2:1,943,313, C>T on the plus strand (G>A on the coding strand, the complement: MYT1L is on the minus strand). VCF-style: chr2-1943313-C-T. GRCh37 (hg19) VCF-style: chr2-1947085-C-T.
Other names: c.174G>A, p.Ala58= (NM_001329844.2, NM_001329845.1, NM_001329846.3 and 6 more transcripts).
Identifiers: ClinVar variation 4822597 (VCV004822597.4).